The following is an entry in ClinVar:

ClinVar aggregate classification (germline): Benign/Likely benign. Review status: criteria provided, multiple submitters, no conflicts (2 of 4 stars). 6 submissions from 5 submitters: Benign (4); Likely benign (2). Last evaluated 2026-01-21.

Conditions:
Autosomal dominant cerebellar ataxia. Also called: Spinocerebellar Ataxia, Dominant. Identifiers: Orphanet 99, MedGen C4087347, MONDO:0020380.
DYNC1H1-related disorder. Also called: DYNC1H1-related condition; DYNC1H1-related disorders. Identifiers: MedGen CN381529.
Inborn genetic diseases. Identifiers: MedGen C0950123, MeSH D030342.
Charcot-Marie-Tooth disease axonal type 2O. Also called: Charcot-Marie-Tooth disease, axonal, type 20; Charcot-Marie-Tooth Neuropathy Type 2O; CHARCOT-MARIE-TOOTH NEUROPATHY, AXONAL, TYPE 2O; CHARCOT-MARIE-TOOTH DISEASE, AXONAL, AUTOSOMAL DOMINANT, TYPE 2O. Identifiers: Orphanet 284232, MedGen C3280220, MONDO:0013644, OMIM 614228.

Allele frequency attached by ClinVar (database versions not stated): gnomAD 0.00006 and 0.00013; TOPMed 0.00011; 1000 Genomes Project 0.00120; 1000 Genomes Project 30x 0.00125.
gnomAD v4.1: 174 of 1,613,940 alleles (0.011%); highest among the groups gnomAD compares: East Asian, 0.35%; no homozygotes.

Submissions (7):

Labcorp Genetics (formerly Invitae), Labcorp
Classification: Likely benign for Charcot-Marie-Tooth disease axonal type 2O. Last evaluated: 2026-01-21. Review status: criteria provided, single submitter. Criteria: Invitae Variant Classification Sherloc (09022015). Collection method: clinical testing. Allele origin: germline.

PreventionGenetics, part of Exact Sciences
Classification: Likely benign for DYNC1H1-related condition. Last evaluated: 2025-12-09. Review status: criteria provided, single submitter. Criteria: ACMG Guidelines, 2015. Collection method: clinical testing. Allele origin: germline.
Comment: This variant is classified as likely benign based on ACMG/AMP sequence variant interpretation guidelines (Richards et al. 2015 PMID: 25741868, with internal and published modifications).

GeneDx
Classification: Benign. Last evaluated: 2020-12-28. Review status: criteria provided, single submitter. Criteria: GeneDx Variant Classification Process June 2021. Collection method: clinical testing. Allele origin: germline. Affected: yes.
Comment: This variant is associated with the following publications: (PMID: 27066557, 30031633)

Ambry Genetics
Classification: Benign for Inborn genetic diseases. Last evaluated: 2020-08-11. Review status: criteria provided, single submitter. Criteria: Ambry Variant Classification Scheme 2023. Collection method: clinical testing. Allele origin: germline.

Illumina Laboratory Services, Illumina
Classification: Benign for Spinocerebellar Ataxia, Dominant. Last evaluated: 2017-04-27. Review status: criteria provided, single submitter. Criteria: ICSL Variant Classification Criteria 13 December 2019. Collection method: clinical testing. Allele origin: germline.
Comment: This variant was observed as part of a predisposition screen in an ostensibly healthy population. A literature search was performed for the gene, cDNA change, and amino acid change (where applicable). No publications were found based on this search. Allele frequency data from public databases was too high to be consistent with this variant causing disease. Therefore, this variant is classified as benign.

Illumina Laboratory Services, Illumina
Classification: Benign for Charcot-Marie-Tooth disease axonal type 2O. Last evaluated: 2017-04-27. Review status: criteria provided, single submitter. Criteria: ICSL Variant Classification Criteria 13 December 2019. Collection method: clinical testing. Allele origin: germline.
Comment: the same text as in the submission from Illumina Laboratory Services, Illumina above.

Dr. Peter K. Rogan Lab, Western University
No classification provided (evidence only). Condition: Gastric cancer. Review status: no classification provided. Collection method: in vitro. Allele origin: not applicable. Functional consequence: retained intron. Not counted in ClinVar's aggregate classification.

Literature cited by the submitters: PubMed 27066557 (cited by Ambry Genetics); PubMed 30031633 (cited by Ambry Genetics).

NM_001376.5(DYNC1H1):c.12685-3C>T

Gene: DYNC1H1 (dynein cytoplasmic 1 heavy chain 1; plus strand). Cytogenetic location: 14q32.31.
Variant type: single nucleotide variant.
Coding change: c.12685-3C>T on transcript NM_001376.5 (MANE Select); 3 bases into the intron before coding-DNA position 12685, C replaced by T.
Molecular consequence: intron variant.
Genome position (GRCh38, 1-based): chr14:102,044,271, C>T. VCF-style: chr14-102044271-C-T. GRCh37 (hg19) VCF-style: chr14-102510608-C-T.
Identifiers: ClinVar variation 384317 (VCV000384317.21), dbSNP rs149824412, ClinGen allele CA7354018.